The following is an entry in ClinVar:

NM_006939.4(SOS2):c.1337G>T (p.Gly446Val)

Gene: SOS2 (SOS Ras/Rho guanine nucleotide exchange factor 2; minus strand). Cytogenetic location: 14q21.3.
Variant type: single nucleotide variant.
Coding change: c.1337G>T on transcript NM_006939.4 (MANE Select); coding-DNA position 1337, G replaced by T.
Protein change: p.Gly446Val; replaces glycine 446 with valine.
Molecular consequence: missense variant.
Genome position (GRCh38, 1-based): chr14:50,159,946, C>A on the plus strand (G>T on the coding strand, the complement: SOS2 is on the minus strand). VCF-style: chr14-50159946-C-A. GRCh37 (hg19) VCF-style: chr14-50626664-C-A.
Other names: c.1238G>T, p.Gly413Val (NM_001411020.1); short protein forms G413V, G446V.
Identifiers: ClinVar variation 2859159 (VCV002859159.3), dbSNP rs2139629684, ClinGen allele CA389646011.

ClinVar aggregate classification (germline): Uncertain significance (1 of 4 stars; one submission).

Conditions:
Noonan syndrome 9 (NS9). Identifiers: Orphanet 648, MedGen C4225282, MONDO:0014691, OMIM 616559.

Submission:

Labcorp Genetics (formerly Invitae), Labcorp
Classification: Uncertain significance for Noonan syndrome 9. Last evaluated: 2023-04-25. Review status: criteria provided, single submitter. Criteria: Invitae Variant Classification Sherloc (09022015). Collection method: clinical testing. Allele origin: germline.
Comment: Advanced modeling of protein sequence and biophysical properties (such as structural, functional, and spatial information, amino acid conservation, physicochemical variation, residue mobility, and thermodynamic stability) performed at Invitae indicates that this missense variant is expected to disrupt SOS2 protein function. Algorithms developed to predict the effect of sequence changes on RNA splicing suggest that this variant may create or strengthen a splice site. In summary, the available evidence is currently insufficient to determine the role of this variant in disease. Therefore, it has been classified as a Variant of Uncertain Significance. This variant has not been reported in the literature in individuals affected with SOS2-related conditions. This sequence change replaces glycine, which is neutral and non-polar, with valine, which is neutral and non-polar, at codon 446 of the SOS2 protein (p.Gly446Val). This variant is not present in population databases (gnomAD no frequency).